The following is an entry in ClinVar:

ClinVar aggregate classification (germline): Uncertain significance (1 of 4 stars; one submission).

Submission:

ISCA site 4
Classification: Uncertain significance. Last evaluated: 2011-08-12. Review status: criteria provided, single submitter. Criteria: Kaminsky et al. (Genet Med. 2011). Collection method: clinical testing. Allele origin: maternal. Affected: yes. Observed: 1 variant allele.
Comment: Copy number variation identified through the course of routine clinical cytogenomic testing in postnatal populations. Clinical assertions have been curated as described in Kaminsky et al. 2011.

GRCh38/hg38 4p16.3(chr4:72555-1405362)x3

Genes: ATP5ME (ATP synthase membrane subunit e; minus strand), CPLX1 (complexin 1; minus strand), CPLX1-AS1 (CPLX1 antisense RNA 1; plus strand), CRIPAK (cysteine rich PAK1 inhibitor; plus strand), CTBP1 (C-terminal binding protein 1; minus strand) and 90 more. Cytogenetic location: 4p16.3.
Variant type: copy number gain.
Change: copy number 3 (three copies instead of two) of chr4:72,555-1,405,362 (1.33 Mb, GRCh38 coordinates, 1-based), cytogenetic band 4p16.3.
Identifiers: ClinVar variation 57823 (VCV000057823.1).